The following is an entry in ClinVar:

NM_001853.4(COL9A3):c.147+251C>T

Gene: COL9A3 (collagen type IX alpha 3 chain; plus strand). Cytogenetic location: 20q13.33.
Variant type: single nucleotide variant.
Coding change: c.147+251C>T on transcript NM_001853.4 (MANE Select); 251 bases into the intron after coding-DNA position 147, C replaced by T.
Molecular consequence: intron variant.
Genome position (GRCh38, 1-based): chr20:62,817,886, C>T. VCF-style: chr20-62817886-C-T. GRCh37 (hg19) VCF-style: chr20-61449238-C-T.
Identifiers: ClinVar variation 4853476 (VCV004853476.1).

ClinVar aggregate classification (germline): Likely benign (1 of 4 stars; one submission).

gnomAD v4.1: 13 of 634,724 alleles (0.002%); no homozygotes.

Submission:

Women's Health and Genetics/Laboratory Corporation of America, LabCorp
Classification: Likely benign. Last evaluated: 2026-05-07. Review status: criteria provided, single submitter. Criteria: LabCorp Variant Classification Summary - May 2015. Collection method: clinical testing. Allele origin: germline.
Comment: Variant summary: COL9A3 c.147+251C>T is located at a position not widely known to affect splicing. Consensus agreement among computation tools predict no significant impact on normal splicing. However, these predictions have yet to be confirmed by functional studies. The variant allele was found at a frequency of 1.6e-05 in 128936 control chromosomes. The available data on variant occurrences in the general population are insufficient to allow any conclusion about variant significance. To our knowledge, no occurrence of c.147+251C>T in individuals affected with COL9A3-related conditions and no experimental evidence demonstrating its impact on protein function have been reported. No submitters have cited clinical-significance assessments for this variant to ClinVar. Based on the evidence outlined above, the variant was classified as likely benign.